The following is an entry in ClinVar:

ClinVar aggregate classification (germline): Uncertain significance (1 of 4 stars; one submission).

Conditions:
Joubert syndrome 18 (JBTS18). Identifiers: Orphanet 2754, MedGen C3553758, MONDO:0013896, OMIM 614815.
Orofacial-digital syndrome IV (OFD4). Also called: Orofaciodigital syndrome IV; BARAITSER-BURN SYNDROME; OFD SYNDROME WITH TIBIAL DEFECTS; OFD SYNDROME, BARAITSER-BURN TYPE; OFDS IV; ORAL-FACIAL-DIGITAL SYNDROME, TYPE IV. Identifiers: Orphanet 2753, MedGen C0406727, MONDO:0009794, OMIM 258860.

Allele frequency attached by ClinVar (database versions not stated): gnomAD 0.00001.
gnomAD v4.1: 5 of 1,551,568 alleles (0.00032%); highest among the groups gnomAD compares: South Asian, 0.0012%; no homozygotes.

Submission:

Labcorp Genetics (formerly Invitae), Labcorp
Classification: Uncertain significance for Joubert syndrome 18; Orofacial-digital syndrome IV. Last evaluated: 2022-09-13. Review status: criteria provided, single submitter. Criteria: Invitae Variant Classification Sherloc (09022015). Collection method: clinical testing. Allele origin: germline.
Comment: This sequence change replaces proline, which is neutral and non-polar, with alanine, which is neutral and non-polar, at codon 28 of the TCTN3 protein (p.Pro28Ala). This variant is present in population databases (no rsID available, gnomAD 0.002%). This variant has not been reported in the literature in individuals affected with TCTN3-related conditions. Algorithms developed to predict the effect of missense changes on protein structure and function are either unavailable or do not agree on the potential impact of this missense change (SIFT: "Deleterious"; PolyPhen-2: "Benign"; Align-GVGD: "Class C0"). In summary, the available evidence is currently insufficient to determine the role of this variant in disease. Therefore, it has been classified as a Variant of Uncertain Significance.

NM_015631.6(TCTN3):c.82C>G (p.Pro28Ala)

Genes: TCTN3 (tectonic family member 3; minus strand), LOC130004408 (ATAC-STARR-seq lymphoblastoid active region 3801; plus strand). Cytogenetic location: 10q24.1.
Variant type: single nucleotide variant.
Coding change: c.82C>G on transcript NM_015631.6 (MANE Select); coding-DNA position 82, C replaced by G.
Protein change: p.Pro28Ala; replaces proline 28 with alanine.
Molecular consequence: missense variant.
Genome position (GRCh38, 1-based): chr10:95,693,818, G>C on the plus strand (C>G on the coding strand, the complement: TCTN3 is on the minus strand). VCF-style: chr10-95693818-G-C. GRCh37 (hg19) VCF-style: chr10-97453575-G-C.
Other names: c.136C>G, p.Pro46Ala (NM_001013840.1); c.82C>G, p.Pro28Ala (NM_001143973.2, NM_001410982.1); short protein forms P46A, P28A.
Identifiers: ClinVar variation 1921706 (VCV001921706.2), dbSNP rs897344363, ClinGen allele CA211808512.
Genomic context (GRCh38, chr10:95,693,818, plus strand): 5'-GGAGGGTTCCGCCATCCGTCCCTCGCTGCAGCTCCAAAGACGTGGGCACTGCCCCTGATG[G>C]GGAGGAAGAGGGCTGAGGCCGGACGCCATCGGGGAACACCAGAAAGAACACTTGCAGGAG-3'
Protein context (NP_056446.4, residues 18-38): DGVRPQPSSS[Pro28Ala]SGAVPTSLEL